The following is an entry in ClinVar:

ClinVar aggregate classification (germline): Conflicting classifications of pathogenicity. Review status: criteria provided, conflicting classifications (1 of 4 stars). 12 submissions from 12 submitters: Pathogenic (1); Likely pathogenic (4); Uncertain significance (5). 2 of the submissions do not count toward it. Last evaluated 2026-07-20.

Conditions:
USH2A-related disorder. Also called: USH2A-related condition; USH2A-related disorders. Identifiers: MedGen CN239332.
Usher syndrome. Also called: Usher Syndromes; Usher's syndrome. Identifiers: Orphanet 886, MedGen CN469326, MeSH D052245, MONDO:0019501. Disease mechanism: loss of function.
Usher syndrome type 2A. Also called: USHER SYNDROME, TYPE IIA; RETINAL DISEASE IN USHER SYNDROME TYPE IIA, MODIFIER OF. Identifiers: Orphanet 231178, Orphanet 886, MedGen C1848634, MONDO:0010169, OMIM 276901.
Retinitis pigmentosa 39 (RP39). Identifiers: Orphanet 791, MedGen C3151138, MONDO:0013436, OMIM 613809.

Allele frequency attached by ClinVar (database versions not stated): ExAC 0.00001; gnomAD 0.00002 and 0.00003; gnomAD exomes 0.00002; TOPMed 0.00003.
gnomAD v4.1: 21 of 1,613,050 alleles (0.0013%); highest among the groups gnomAD compares: Admixed American, 0.0067%; no homozygotes.

Submissions (12):

PreventionGenetics, part of Exact Sciences
Classification: Uncertain significance for USH2A-related condition. Last evaluated: 2026-07-20. Review status: criteria provided, single submitter. Criteria: ACMG Guidelines, 2015. Collection method: clinical testing. Allele origin: germline.
Comment: The USH2A c.821G>A variant is predicted to result in the amino acid substitution p.Arg274Gln. This variant has been reported along with a second USH2A variant in individuals with Usher syndrome or retinal disease (Table S2, Bonnet et al. 2016. PubMed ID: 27460420; Table S2, Mansard et al. 2021. PubMed ID: 34948090; Karali et al. 2022. PubMed ID: 36460718). An alternate substitution of this amino acid residue (p.Arg274Gly) has also been reported in many individuals with retinal disease (see for example: Lin et al. 2024. PubMed ID: 38219857). This variant is reported in 0.0057% of alleles in individuals of Latino descent in gnomAD. Although we suspect that this variant may be pathogenic, at this time, the clinical significance of this variant is uncertain due to the absence of conclusive functional and genetic evidence.

Myriad Genetics, Inc.
Classification: Uncertain significance for USH2A-related disorder. Last evaluated: 2026-05-12. Review status: criteria provided, single submitter. Criteria: Myriad Autosomal Dominant, Autosomal Recessive and X-Linked Classification Criteria (2023). Collection method: clinical testing. Allele origin: unknown.
Comment: NM_206933.2(USH2A):c.821G>A(R274Q) is a missense variant classified as a variant of uncertain significance in the context of USH2A-related disorders. R274Q has been observed in cases with relevant disease (PMID: 28798898, 34948090, 27460420, 36460718, 37261916). Relevant functional assessments of this variant are not available in the literature. R274Q has been observed in referenced population frequency databases. In summary, there is insufficient evidence to classify NM_206933.2(USH2A):c.821G>A(R274Q) as pathogenic or benign. Please note: this variant was assessed in the context of healthy population screening.

Women's Health and Genetics/Laboratory Corporation of America, LabCorp
Classification: Likely pathogenic for Usher syndrome. Last evaluated: 2026-01-16. Review status: criteria provided, single submitter. Criteria: LabCorp Variant Classification Summary - May 2015. Collection method: clinical testing. Allele origin: germline.
Comment: Variant summary: USH2A c.821G>A (p.Arg274Gln) results in a conservative amino acid change in the encoded protein sequence. Algorithms developed to predict the effect of missense changes on protein structure and function are either unavailable or do not agree on the potential impact of this missense change. The variant allele was found at a frequency of 2e-05 in 250898 control chromosomes. c.821G>A has been observed in individuals affected with Usher Syndrome and/or inherited retinal disease (e.g. Bonnet_2016, Mansard_2021, Karaki_2022, internal data). These data indicate that the variant may be associated with disease. A different variant affecting the same codon has been classified as likely pathogenic by our lab (c.820C>G, p.Arg274Gly), supporting the critical relevance of codon 274 to USH2A protein function. To our knowledge, no experimental evidence demonstrating an impact on protein function has been reported. The following publications have been ascertained in the context of this evaluation (PMID: 27460420, 36460718, 34948090). ClinVar contains an entry for this variant (Variation ID: 179225). Based on the evidence outlined above, the variant was classified as likely pathogenic.

Labcorp Genetics (formerly Invitae), Labcorp
Classification: Likely pathogenic. Last evaluated: 2025-11-18. Review status: criteria provided, single submitter. Criteria: Invitae Variant Classification Sherloc (09022015). Collection method: clinical testing. Allele origin: germline.
Comment: This sequence change replaces arginine, which is basic and polar, with glutamine, which is neutral and polar, at codon 274 of the USH2A protein (p.Arg274Gln). This variant is present in population databases (rs727504721, gnomAD 0.006%). This missense change has been observed in individual(s) with inherited retinal dystrophy and/or Usher syndrome (PMID: 27460420, 34948090, 36460718; internal data). ClinVar contains an entry for this variant (Variation ID: 179225). An algorithm developed to predict the effect of missense changes on protein structure and function outputs the following: PolyPhen-2: "Possibly Damaging". The glutamine amino acid residue is found in multiple mammalian species, which suggests that this missense change does not adversely affect protein function. This variant disrupts the p.Arg274 amino acid residue in USH2A. Other variant(s) that disrupt this residue have been determined to be pathogenic (PMID: 28041643; internal data). This suggests that this residue is clinically significant, and that variants that disrupt this residue are likely to be disease-causing. In summary, the currently available evidence indicates that the variant is pathogenic, but additional data are needed to prove that conclusively. Therefore, this variant has been classified as Likely Pathogenic.

Otogenetics
Classification: Likely pathogenic for Usher syndrome type 2A; Retinitis pigmentosa 39. Last evaluated: 2025-10-29. Review status: criteria provided, single submitter. Criteria: ACMG Guidelines, 2015. Collection method: clinical testing. Allele origin: germline.
Comment: PM2: Maximum gnomAD MAF of 0.0057% in American (AMR) subpopulation (<0.251% threshold); PM3_Strong: Variant reported in trans with 2 pathogenic variants in 2 individuals affected with sensorineural hearing loss and/or retinitis pigmentosa (PMID: 27460420, 34948090); PM5: Pathogenic missense amino acid change occurs in same position: c.820C>G;p.Arg274Gly (PMID: 28041643)

Fulgent Genetics
Classification: Uncertain significance for Usher syndrome type 2A; Retinitis pigmentosa 39. Last evaluated: 2024-06-13. Review status: criteria provided, single submitter. Criteria: ACMG Guidelines, 2015. Collection method: clinical testing. Allele origin: germline.

GeneDx
Classification: Uncertain significance. Last evaluated: 2024-04-02. Review status: criteria provided, single submitter. Criteria: GeneDx Variant Classification Process June 2021. Collection method: clinical testing. Allele origin: germline. Affected: yes.
Comment: Not observed at significant frequency in large population cohorts (gnomAD); In silico analysis supports that this missense variant does not alter protein structure/function; This variant is associated with the following publications: (PMID: 36460718, 34948090, 27460420)

Baylor Genetics
Classification: Likely pathogenic for Retinitis pigmentosa 39. Last evaluated: 2024-03-02. Review status: criteria provided, single submitter. Criteria: ACMG Guidelines, 2015. Collection method: clinical testing. Allele origin: unknown.

Blueprint Genetics
Classification: Pathogenic for USH2A-related disorders. Last evaluated: 2023-03-13. Review status: criteria provided, single submitter. Criteria: ACMG Guidelines, 2015. Collection method: clinical testing. Allele origin: germline. Affected: yes. Observed: 5 variant alleles.

Laboratory for Molecular Medicine, Mass General Brigham Personalized Medicine
Classification: Uncertain significance. Last evaluated: 2013-09-08. Review status: criteria provided, single submitter. Criteria: LMM Criteria. Collection method: clinical testing. Allele origin: germline. Observed: 2 variant alleles.
Comment: Variant classified as Uncertain Significance - Favor Benign. The Arg274Gln varia nt in USH2A has not been reported in individuals with hearing loss or in large p opulation studies. The arginine (Arg) residue at position 274 is not well conser ved across species with cat and shrew having a glutamine (Gln) at that position. However, computational data (SIFT, PolyPhen2, AlignGVGD) provide conflicting pr edictions on the impact of the variant. In summary, the clinical significance of this variant cannot be determined with certainty; however based upon the conser vation data, we would lean towards a more likely benign role.

Natera, Inc.
Classification: Uncertain significance for Usher syndrome type 2A. Last evaluated: 2020-10-14. Review status: no assertion criteria provided. Collection method: clinical testing. Allele origin: germline. Not counted in ClinVar's aggregate classification.

Counsyl
Classification: Uncertain significance for Usher syndrome type 2A; Retinitis pigmentosa 39. Last evaluated: 2018-03-20. Review status: no assertion criteria provided. Collection method: clinical testing. Allele origin: unknown. Not counted in ClinVar's aggregate classification.

Literature cited by the submitters: PubMed 27460420 (cited by 5 submitters); PubMed 28798898 (cited by Myriad Genetics, Inc.); PubMed 34948090 (cited by 4 submitters); PubMed 36460718 (cited by 3 submitters); PubMed 37261916 (cited by Myriad Genetics, Inc.); PubMed 28041643 (cited by Labcorp Genetics (formerly Invitae), Labcorp and Otogenetics).

NM_206933.4(USH2A):c.821G>A (p.Arg274Gln)

Gene: USH2A (usherin; minus strand). Cytogenetic location: 1q41.
Variant type: single nucleotide variant.
Coding change: c.821G>A on transcript NM_206933.4 (MANE Select); coding-DNA position 821, G replaced by A.
Protein change: p.Arg274Gln; replaces arginine 274 with glutamine.
Molecular consequence: missense variant.
Genome position (GRCh38, 1-based): chr1:216,327,618, C>T on the plus strand (G>A on the coding strand, the complement: USH2A is on the minus strand). VCF-style: chr1-216327618-C-T. GRCh37 (hg19) VCF-style: chr1-216500960-C-T.
Other names: c.821G>A, p.Arg274Gln (NM_007123.6); short protein forms R274Q.
Identifiers: ClinVar variation 179225 (VCV000179225.21), dbSNP rs727504721, ClinGen allele CA183997.
Genomic context (GRCh38, chr1:216,327,618, plus strand): 5'-GTTCTTGAGGTTTACAATGCAACATCTGCTTACCTGTTTGTAAGTGCCACTTGGTATAAT[C>T]GAAAATCTTGCATTCTTCCGACAAACTGCTCTAAACCTGCAAATACACACATGTGCATAA-3'
Protein context (NP_996816.3, residues 264-284): EQFVGRMQDF[Arg274Gln]LYQVALTNRE